The following is an entry in ClinVar:

NM_000093.5(COL5A1):c.1431+5G>C

Gene: COL5A1 (collagen type V alpha 1 chain; plus strand). Cytogenetic location: 9q34.3.
Variant type: single nucleotide variant.
Coding change: c.1431+5G>C on transcript NM_000093.5 (MANE Select); 5 bases into the intron after coding-DNA position 1431, G replaced by C.
Molecular consequence: intron variant.
Genome position (GRCh38, 1-based): chr9:134,738,520, G>C. VCF-style: chr9-134738520-G-C. GRCh37 (hg19) VCF-style: chr9-137630366-G-C.
Other names: c.1431+5G>C (NM_001278074.1).
Identifiers: ClinVar variation 1002383 (VCV001002383.8), dbSNP rs1835185397, ClinGen allele CA1883346198.
Genomic context (GRCh38, chr9:134,738,520, plus strand): 5'-CTCTGTCTCCCCAGGGCATGCTCATCGAGGGCCCGCCTGGCCCAGAAGGCCCCGCGGTGA[G>C]TATCCGGCTTTATCCTGTGACTTGCAGAAGGTGCTCTTGGTGGGGTGGGGTTGGTGACAC-3'

ClinVar aggregate classification (germline): Uncertain significance (1 of 4 stars; one submission).

Conditions:
Ehlers-Danlos syndrome, classic type, 1 (EDSCL1). Also called: EHLERS-DANLOS SYNDROME, GRAVIS TYPE; EHLERS-DANLOS SYNDROME, SEVERE CLASSIC TYPE; EDS I; Ehlers-Danlos Syndrome, Classic Type, COL5A1-Related; Ehlers-Danlos syndrome, type 1. Identifiers: MedGen C0268335, MONDO:0019567, OMIM 130000.

Submission:

Labcorp Genetics (formerly Invitae), Labcorp
Classification: Uncertain significance for Ehlers-Danlos syndrome, classic type, 1. Last evaluated: 2020-08-08. Review status: criteria provided, single submitter. Criteria: Invitae Variant Classification Sherloc (09022015). Collection method: clinical testing. Allele origin: germline.
Comment: This sequence change falls in intron 10 of the COL5A1 gene. It does not directly change the encoded amino acid sequence of the COL5A1 protein, but it affects a nucleotide within the consensus splice site of the intron. This variant is not present in population databases (ExAC no frequency). This variant has not been reported in the literature in individuals with COL5A1-related conditions. Nucleotide substitutions within the consensus splice site are a relatively common cause of aberrant splicing (PMID: 17576681, 9536098). Algorithms developed to predict the effect of sequence changes on RNA splicing suggest that this variant may disrupt the consensus splice site, but this prediction has not been confirmed by published transcriptional studies. In summary, the available evidence is currently insufficient to determine the role of this variant in disease. Therefore, it has been classified as a Variant of Uncertain Significance.

Literature cited by the submitters: PubMed 17576681; PubMed 9536098.